The following is an entry in ClinVar:

NM_000400.4(ERCC2):c.2153A>T (p.Lys718Met)

Gene: ERCC2 (ERCC excision repair 2, TFIIH core complex helicase subunit; minus strand). Cytogenetic location: 19q13.32.
Variant type: single nucleotide variant.
Coding change: c.2153A>T on transcript NM_000400.4 (MANE Select); coding-DNA position 2153, A replaced by T.
Protein change: p.Lys718Met; replaces lysine 718 with methionine.
Molecular consequence: missense variant.
Genome position (GRCh38, 1-based): chr19:45,352,246, T>A on the plus strand (A>T on the coding strand, the complement: ERCC2 is on the minus strand). VCF-style: chr19-45352246-T-A. GRCh37 (hg19) VCF-style: chr19-45855504-T-A.
Other names: short protein forms K718M.
Identifiers: ClinVar variation 1786781 (VCV001786781.2), dbSNP rs2513997600, ClinGen allele CA406362015.

ClinVar aggregate classification (germline): Uncertain significance (1 of 4 stars; one submission).

Conditions:
Inborn genetic diseases. Identifiers: MedGen C0950123, MeSH D030342.

gnomAD v4.1: 2 of 1,614,088 alleles (0.00012%); highest among the groups gnomAD compares: African/African-American, 0.0013%; no homozygotes.

Submission:

Ambry Genetics
Classification: Uncertain significance for Inborn genetic diseases. Last evaluated: 2021-07-26. Review status: criteria provided, single submitter. Criteria: Ambry Variant Classification Scheme 2023. Collection method: clinical testing. Allele origin: germline.
Comment: The p.K718M variant (also known as c.2153A>T), located in coding exon 22 of the ERCC2 gene, results from an A to T substitution at nucleotide position 2153. The lysine at codon 718 is replaced by methionine, an amino acid with similar properties. This amino acid position is conserved. In addition, the in silico prediction for this alteration is inconclusive. Since supporting evidence is limited at this time, the clinical significance of this alteration remains unclear.